The following is an entry in ClinVar:

NM_147127.5(EVC2):c.2488dup (p.His830fs)

Gene: EVC2 (EvC ciliary complex subunit 2; minus strand). Cytogenetic location: 4p16.2.
Variant type: Duplication.
Coding change: c.2488dup on transcript NM_147127.5 (MANE Select); coding-DNA position 2488, one base duplicated (C; older notation c.2488dupC).
Protein change: p.His830fs; shifts the reading frame from histidine 830.
Molecular consequence: frameshift variant.
Genome position (GRCh38, 1-based): chr4:5,622,550, G duplicated on the plus strand (C on the coding strand, the reverse complement: EVC2 is on the minus strand). VCF-style (leftmost placement, unchanged base first): chr4-5622549-T-TG. GRCh37 (hg19) VCF-style: chr4-5624276-T-TG.
Other names: c.2248dup, p.His750fs (NM_001166136.2); short protein forms H750fs, H830fs.
Identifiers: ClinVar variation 5012686 (VCV005012686.1).

ClinVar aggregate classification (germline): Pathogenic (1 of 4 stars; one submission).

Conditions:
Ellis-van Creveld syndrome (EVC). Also called: MESOECTODERMAL DYSPLASIA; Chondroectodermal dysplasia. Identifiers: Orphanet 289, MedGen C0013903, MONDO:0009162, OMIM 225500.

Submission:

Myriad Genetics, Inc.
Classification: Pathogenic for Ellis-van Creveld syndrome. Last evaluated: 2024-01-27. Review status: criteria provided, single submitter. Criteria: Myriad Autosomal Dominant, Autosomal Recessive and X-Linked Classification Criteria (2023). Collection method: clinical testing. Allele origin: unknown.
Comment: NM_147127.4(EVC2):c.2488dupC(H830Pfs*16) is expected to be pathogenic in the context of EVC2-related Ellis-van Creveld syndrome. This variant is predicted to lead to an abnormal or absent protein product due to the creation of a premature termination codon in EVC2, a gene where loss-of-function variants are known to be pathogenic. Please note: this variant was assessed in the context of healthy population screening.